The following is an entry in ClinVar:

NM_000186.4(CFH):c.58+6A>C

Gene: CFH (complement factor H; plus strand). Cytogenetic location: 1q31.3.
Variant type: single nucleotide variant.
Coding change: c.58+6A>C on transcript NM_000186.4 (MANE Select); 6 bases into the intron after coding-DNA position 58, A replaced by C.
Molecular consequence: intron variant.
Genome position (GRCh38, 1-based): chr1:196,652,181, A>C. VCF-style: chr1-196652181-A-C. GRCh37 (hg19) VCF-style: chr1-196621311-A-C.
Other names: c.58+6A>C (NM_001014975.3).
Identifiers: ClinVar variation 1939245 (VCV001939245.5), dbSNP rs772573809, ClinGen allele CA1304916.

ClinVar aggregate classification (germline): Uncertain significance (1 of 4 stars; one submission).

Allele frequency attached by ClinVar (database versions not stated): ExAC 0.00001; gnomAD 0.00001.
gnomAD v4.1: 27 of 1,594,596 alleles (0.0017%); highest among the groups gnomAD compares: South Asian, 0.025%; no homozygotes.

Submission:

Labcorp Genetics (formerly Invitae), Labcorp
Classification: Uncertain significance. Last evaluated: 2025-11-23. Review status: criteria provided, single submitter. Criteria: Invitae Variant Classification Sherloc (09022015). Collection method: clinical testing. Allele origin: germline.
Comment: This sequence change falls in intron 1 of the CFH gene. It does not directly change the encoded amino acid sequence of the CFH protein. It affects a nucleotide within the consensus splice site. This variant is present in population databases (rs772573809, gnomAD 0.03%). This variant has not been reported in the literature in individuals affected with CFH-related conditions. ClinVar contains an entry for this variant (Variation ID: 1939245). Variants that disrupt the consensus splice site are a relatively common cause of aberrant splicing (PMID: 17576681, 9536098). Algorithms developed to predict the effect of sequence changes on RNA splicing suggest that this variant is not likely to affect RNA splicing. In summary, the available evidence is currently insufficient to determine the role of this variant in disease. Therefore, it has been classified as a Variant of Uncertain Significance.

Literature cited by the submitters: PubMed 17576681; PubMed 9536098.